The following is an entry in ClinVar:

ClinVar aggregate classification (germline): Conflicting classifications of pathogenicity. Review status: criteria provided, conflicting classifications (1 of 4 stars). 2 submissions from 2 submitters: Uncertain significance (1); Likely benign (1). Last evaluated 2025-12-14.

Conditions:
Pancreatic adenocarcinoma. Identifiers: MedGen C0281361, MONDO:0006047, HP:0006725.

Allele frequency attached by ClinVar (database versions not stated): gnomAD 0.00002 and 0.00008; gnomAD exomes 0.00009; 1000 Genomes Project 30x 0.00047; TOPMed 0.00003.
gnomAD v4.1: 59 of 1,487,604 alleles (0.004%); highest among the groups gnomAD compares: East Asian, 0.04%; no homozygotes.

Submissions (3):

Labcorp Genetics (formerly Invitae), Labcorp
Classification: Uncertain significance for Pancreatic adenocarcinoma. Last evaluated: 2025-12-14. Review status: criteria provided, single submitter. Criteria: Invitae Variant Classification Sherloc (09022015). Collection method: clinical testing. Allele origin: germline.
Comment: This sequence change replaces alanine, which is neutral and non-polar, with serine, which is neutral and polar, at codon 11 of the PALLD protein (p.Ala11Ser). This variant is present in population databases (rs370602081, gnomAD 0.09%). This variant has not been reported in the literature in individuals affected with PALLD-related conditions. ClinVar contains an entry for this variant (Variation ID: 188331). An algorithm developed to predict the effect of missense changes on protein structure and function (PolyPhen-2) suggests that this variant is likely to be tolerated. In summary, the available evidence is currently insufficient to determine the role of this variant in disease. Therefore, it has been classified as a Variant of Uncertain Significance.

Ambry Genetics
Classification: Likely benign. Last evaluated: 2025-07-18. Review status: criteria provided, single submitter. Criteria: Ambry Variant Classification Scheme 2023. Collection method: clinical testing. Allele origin: germline.

Dr. Peter K. Rogan Lab, Western University
No classification provided (evidence only). Condition: Malignant tumor of esophagus. Review status: no classification provided. Collection method: in vitro. Allele origin: not applicable. Functional consequence: retained intron. Not counted in ClinVar's aggregate classification.

NM_001166108.2(PALLD):c.1965-13000G>T

Gene: PALLD (palladin, cytoskeletal associated protein; plus strand). Cytogenetic location: 4q32.3.
Variant type: single nucleotide variant.
Coding change: c.1965-13000G>T on transcript NM_001166108.2 (MANE Select); 13000 bases into the intron before coding-DNA position 1965, G replaced by T.
Molecular consequence: intron variant. On other transcripts: missense variant (1).
Genome position (GRCh38, 1-based): chr4:168,877,922, G>T. VCF-style: chr4-168877922-G-T. GRCh37 (hg19) VCF-style: chr4-169799073-G-T.
Other names: c.31G>T, p.Ala11Ser (NM_001166110.2); c.1965-13000G>T (NM_016081.4); c.819-13000G>T (NM_001166109.2); c.-157-13000G>T (NM_001367570.1, NM_001367568.1, NM_001367567.1 and 1 more transcripts); short protein forms A11S.
Identifiers: ClinVar variation 188331 (VCV000188331.15), dbSNP rs370602081, ClinGen allele CA334632.
Genomic context (GRCh38, chr4:168,877,922, plus strand): 5'-GCCTGCACGCCGCCCGCGTCCCCGGAGCCCATGAGCGCGCTGGCCTCCCGCTCCGCCCCC[G>T]CCATGCAGTCCTCCGGCTCCTTCAACTACGCGCGCCCCAAGCAGTTCATCGCCGCGCAGA-3'